The following is an entry in ClinVar:

NM_001170535.3(ATAD3A):c.1487C>T (p.Pro496Leu)

Gene: ATAD3A (ATPase family AAA domain containing 3A; plus strand). Cytogenetic location: 1p36.33.
Variant type: single nucleotide variant.
Coding change: c.1487C>T on transcript NM_001170535.3 (MANE Select); coding-DNA position 1487, C replaced by T.
Protein change: p.Pro496Leu; replaces proline 496 with leucine.
Molecular consequence: missense variant.
Genome position (GRCh38, 1-based): chr1:1,527,844, C>T. VCF-style: chr1-1527844-C-T. GRCh37 (hg19) VCF-style: chr1-1463224-C-T.
Other names: c.1250C>T, p.Pro417Leu (NM_001170536.3); c.1631C>T, p.Pro544Leu (NM_018188.5); c.1631C>T (NM_018188.3); short protein forms P417L, P496L, P544L.
Identifiers: ClinVar variation 1032687 (VCV001032687.3), dbSNP rs758650672, ClinGen allele CA526421.

ClinVar aggregate classification (germline): Uncertain significance. Review status: criteria provided, multiple submitters, no conflicts (2 of 4 stars). 3 submissions from 3 submitters: Uncertain significance (3). Last evaluated 2026-01-26.

Conditions:
Harel-Yoon syndrome (HAYOS). Also called: Optic atrophy-peripheral neuropathy-developmental delay syndrome. Identifiers: Orphanet 496790, MedGen C4310677, MONDO:0014958, OMIM 617183.
Inborn genetic diseases. Identifiers: MedGen C0950123, MeSH D030342.

Allele frequency attached by ClinVar (database versions not stated): gnomAD 0.00003; gnomAD exomes 0.00005 and 0.00018; TOPMed 0.00009; ExAC 0.00019.

Submissions (3):

Women's Health and Genetics/Laboratory Corporation of America, LabCorp
Classification: Uncertain significance. Last evaluated: 2026-01-26. Review status: criteria provided, single submitter. Criteria: LabCorp Variant Classification Summary - May 2015. Collection method: clinical testing. Allele origin: germline.
Comment: Variant summary: ATAD3A c.1487C>T (p.Pro496Leu) results in a non-conservative amino acid change in the encoded protein sequence. Algorithms developed to predict the effect of missense changes on protein structure and function all suggest that this variant is likely to be disruptive. The variant allele was found at a frequency of 0.00018 in 250456 control chromosomes. This frequency is not significantly higher than estimated for disease-causing variants in ATAD3A, allowing no conclusion about variant significance. To our knowledge, no occurrence of c.1487C>T in individuals affected with ATAD3A-related conditions and no experimental evidence demonstrating its impact on protein function have been reported. ClinVar contains an entry for this variant (Variation ID: 1032687). Based on the evidence outlined above, the variant was classified as uncertain significance.

Ambry Genetics
Classification: Uncertain significance for Inborn genetic diseases. Last evaluated: 2025-02-01. Review status: criteria provided, single submitter. Criteria: Ambry Variant Classification Scheme 2023. Collection method: clinical testing. Allele origin: germline.

Baylor Genetics
Classification: Uncertain significance for Harel-Yoon syndrome. Last evaluated: 2018-05-24. Review status: criteria provided, single submitter. Criteria: ACMG Guidelines, 2015. Collection method: clinical testing. Allele origin: paternal. Affected: yes.
Comment: This variant was determined to be of uncertain significance according to ACMG Guidelines, 2015 [PMID:25741868].